The following is an entry in ClinVar:

NM_001089.3(ABCA3):c.1363A>G (p.Met455Val)

Gene: ABCA3 (ATP binding cassette subfamily A member 3; minus strand). Cytogenetic location: 16p13.3.
Variant type: single nucleotide variant.
Coding change: c.1363A>G on transcript NM_001089.3 (MANE Select); coding-DNA position 1363, A replaced by G.
Protein change: p.Met455Val; replaces methionine 455 with valine.
Molecular consequence: missense variant.
Genome position (GRCh38, 1-based): chr16:2,304,073, T>C on the plus strand (A>G on the coding strand, the complement: ABCA3 is on the minus strand). VCF-style: chr16-2304073-T-C. GRCh37 (hg19) VCF-style: chr16-2354074-T-C.
Other names: short protein forms M455V.
Identifiers: ClinVar variation 1316871 (VCV001316871.2), dbSNP rs576740017, ClinGen allele CA276831752.

ClinVar aggregate classification (germline): Uncertain significance (1 of 4 stars; one submission).

Allele frequency attached by ClinVar (database versions not stated): 1000 Genomes Project 0.00020; 1000 Genomes Project 30x 0.00031.

Submission:

GeneDx
Classification: Uncertain significance. Last evaluated: 2020-01-22. Review status: criteria provided, single submitter. Criteria: GeneDx Variant Classification Process June 2021. Collection method: clinical testing. Allele origin: germline. Affected: yes.
Comment: Not observed in large population cohorts (Lek et al., 2016); In silico analysis, which includes protein predictors and evolutionary conservation, supports a deleterious effect; Has not been previously published as pathogenic or benign to our knowledge